The following is an entry in ClinVar:

ClinVar aggregate classification (germline): Benign/Likely benign. Review status: criteria provided, multiple submitters, no conflicts (2 of 4 stars). 3 submissions from 3 submitters: Benign (1); Likely benign (2). Last evaluated 2025-04-09.

Conditions:
Colorectal cancer, susceptibility to, 12 (CRCS12). Also called: COLORECTAL CANCER, SUSCEPTIBILITY TO, ON CHROMOSOME 12q24. Identifiers: Orphanet 220460, MedGen C3554460, MONDO:0014038, OMIM 615083.
Hereditary cancer-predisposing syndrome. Also called: Hereditary neoplastic syndrome; Hereditary Cancer Syndrome; Neoplastic Syndromes, Hereditary; Tumor predisposition. Identifiers: Orphanet 140162, MedGen C0027672, MeSH D009386, MONDO:0015356.

gnomAD v4.1: 1 of 1,613,778 alleles (0.000062%); no homozygotes.

Submissions (3):

Labcorp Genetics (formerly Invitae), Labcorp
Classification: Likely benign. Last evaluated: 2025-04-09. Review status: criteria provided, single submitter. Criteria: Invitae Variant Classification Sherloc (09022015). Collection method: clinical testing. Allele origin: germline.

Myriad Genetics, Inc.
Classification: Benign for Colorectal cancer, susceptibility to, 12. Last evaluated: 2025-02-10. Review status: criteria provided, single submitter. Criteria: Myriad Autosomal Dominant, Autosomal Recessive and X-Linked Classification Criteria (2023). Collection method: clinical testing. Allele origin: unknown.
Comment: This variant is considered benign. This variant is a silent/synonymous amino acid change and it is not expected to impact splicing.

Ambry Genetics
Classification: Likely benign for Hereditary cancer-predisposing syndrome. Last evaluated: 2021-12-29. Review status: criteria provided, single submitter. Criteria: Ambry Variant Classification Scheme 2023. Collection method: clinical testing. Allele origin: germline.

NM_006231.4(POLE):c.1315C>T (p.Leu439=)

Gene: POLE (DNA polymerase epsilon, catalytic subunit; minus strand). Cytogenetic location: 12q24.33.
Variant type: single nucleotide variant.
Coding change: c.1315C>T on transcript NM_006231.4 (MANE Select); coding-DNA position 1315, C replaced by T.
Protein change: p.Leu439=; no amino-acid change (leucine 439 retained).
Molecular consequence: synonymous variant.
Genome position (GRCh38, 1-based): chr12:132,673,619, G>A on the plus strand (C>T on the coding strand, the complement: POLE is on the minus strand). VCF-style: chr12-132673619-G-A. GRCh37 (hg19) VCF-style: chr12-133250205-G-A.
Identifiers: ClinVar variation 1113419 (VCV001113419.12), dbSNP rs2135999602, ClinGen allele CA482722782.